The following is an entry in ClinVar:

NM_025099.6(CTC1):c.3286G>A (p.Ala1096Thr)

Gene: CTC1 (CST telomere replication complex component 1; minus strand). Cytogenetic location: 17p13.1.
Variant type: single nucleotide variant.
Coding change: c.3286G>A on transcript NM_025099.6 (MANE Select); coding-DNA position 3286, G replaced by A.
Protein change: p.Ala1096Thr; replaces alanine 1096 with threonine.
Molecular consequence: missense variant. On other transcripts: non-coding transcript variant (1).
Genome position (GRCh38, 1-based): chr17:8,228,828, C>T on the plus strand (G>A on the coding strand, the complement: CTC1 is on the minus strand). VCF-style: chr17-8228828-C-T. GRCh37 (hg19) VCF-style: chr17-8132146-C-T.
Other names: short protein forms A1096T.
Identifiers: ClinVar variation 963565 (VCV000963565.8), dbSNP rs748072446, ClinGen allele CA8371815.

ClinVar aggregate classification (germline): Uncertain significance. Review status: criteria provided, multiple submitters, no conflicts (2 of 4 stars). 2 submissions from 2 submitters: Uncertain significance (2). Last evaluated 2025-10-07.

Conditions:
Inborn genetic diseases. Identifiers: MedGen C0950123, MeSH D030342.
Dyskeratosis congenita. Identifiers: Orphanet 1775, MedGen C0265965, MONDO:0015780.

Allele frequency attached by ClinVar (database versions not stated): gnomAD exomes 0.00002 and 0.00005; ExAC 0.00006.
gnomAD v4.1: 27 of 1,614,052 alleles (0.0017%); highest among the groups gnomAD compares: South Asian, 0.026%; 1 homozygote.

Submissions (2):

Ambry Genetics
Classification: Uncertain significance for Inborn genetic diseases. Last evaluated: 2025-10-07. Review status: criteria provided, single submitter. Criteria: Ambry Variant Classification Scheme 2023. Collection method: clinical testing. Allele origin: germline.

Labcorp Genetics (formerly Invitae), Labcorp
Classification: Uncertain significance for Dyskeratosis congenita. Last evaluated: 2021-09-01. Review status: criteria provided, single submitter. Criteria: Invitae Variant Classification Sherloc (09022015). Collection method: clinical testing. Allele origin: germline.
Comment: This sequence change replaces alanine with threonine at codon 1096 of the CTC1 protein (p.Ala1096Thr). The alanine residue is highly conserved and there is a small physicochemical difference between alanine and threonine. This variant is present in population databases (rs748072446, ExAC 0.04%). This variant has not been reported in the literature in individuals affected with CTC1-related conditions. Algorithms developed to predict the effect of missense changes on protein structure and function are either unavailable or do not agree on the potential impact of this missense change (SIFT: "Tolerated"; PolyPhen-2: "Possibly Damaging"; Align-GVGD: "Class C0"). In summary, the available evidence is currently insufficient to determine the role of this variant in disease. Therefore, it has been classified as a Variant of Uncertain Significance.